The following is an entry in ClinVar:

NM_138413.4(HOGA1):c.179del (p.Asn60fs)

Gene: HOGA1 (4-hydroxy-2-oxoglutarate aldolase 1; plus strand). Cytogenetic location: 10q24.2.
Variant type: Deletion.
Coding change: c.179del on transcript NM_138413.4 (MANE Select); coding-DNA position 179, one base deleted (A; older notation c.179delA).
Protein change: p.Asn60fs; shifts the reading frame from asparagine 60.
Molecular consequence: frameshift variant.
Genome position (GRCh38, 1-based): chr10:97,584,882, A deleted; the last of 2 consecutive A bases (chr10:97,584,881-97,584,882); deleting either gives the same sequence. VCF-style (leftmost placement, unchanged base first): chr10-97584880-GA-G. GRCh37 (hg19) VCF-style: chr10-99344637-GA-G.
Other names: c.179del, p.Asn60fs (NM_001134670.2); short protein forms N60fs.
Identifiers: ClinVar variation 2117688 (VCV002117688.4), dbSNP rs2540060643, ClinGen allele CA2580082532.

ClinVar aggregate classification (germline): Pathogenic (1 of 4 stars; one submission).

Submission:

Labcorp Genetics (formerly Invitae), Labcorp
Classification: Pathogenic. Last evaluated: 2022-03-26. Review status: criteria provided, single submitter. Criteria: Invitae Variant Classification Sherloc (09022015). Collection method: clinical testing. Allele origin: germline.
Comment: For these reasons, this variant has been classified as Pathogenic. This variant has not been reported in the literature in individuals affected with HOGA1-related conditions. This variant is not present in population databases (gnomAD no frequency). This sequence change creates a premature translational stop signal (p.Asn60Ilefs*25) in the HOGA1 gene. It is expected to result in an absent or disrupted protein product. Loss-of-function variants in HOGA1 are known to be pathogenic (PMID: 22391140, 22781098).

Literature cited by the submitters: PubMed 22391140; PubMed 22781098.